The following is an entry in ClinVar:

NM_001735.3(C5):c.4763-5C>G

Gene: C5 (complement C5; minus strand). Cytogenetic location: 9q33.2.
Variant type: single nucleotide variant.
Coding change: c.4763-5C>G on transcript NM_001735.3 (MANE Select); 5 bases into the intron before coding-DNA position 4763, C replaced by G.
Molecular consequence: intron variant.
Genome position (GRCh38, 1-based): chr9:120,953,873, G>C on the plus strand (C>G on the coding strand, the complement: C5 is on the minus strand). VCF-style: chr9-120953873-G-C. GRCh37 (hg19) VCF-style: chr9-123716151-G-C.
Other names: c.4781-5C>G (NM_001317163.2).
Identifiers: ClinVar variation 2030208 (VCV002030208.4), dbSNP rs1277598724, ClinGen allele CA590201872.

ClinVar aggregate classification (germline): Uncertain significance (1 of 4 stars; one submission).

Submission:

Labcorp Genetics (formerly Invitae), Labcorp
Classification: Uncertain significance. Last evaluated: 2024-01-02. Review status: criteria provided, single submitter. Criteria: Invitae Variant Classification Sherloc (09022015). Collection method: clinical testing. Allele origin: germline.
Comment: This sequence change falls in intron 39 of the C5 gene. It does not directly change the encoded amino acid sequence of the C5 protein. This variant is present in population databases (no rsID available, gnomAD 0.03%). This variant has not been reported in the literature in individuals affected with C5-related conditions. ClinVar contains an entry for this variant (Variation ID: 2030208). Algorithms developed to predict the effect of sequence changes on RNA splicing suggest that this variant may disrupt the consensus splice site. In summary, the available evidence is currently insufficient to determine the role of this variant in disease. Therefore, it has been classified as a Variant of Uncertain Significance.